The following is an entry in ClinVar:

NM_001042492.3(NF1):c.4676G>A (p.Trp1559Ter)

Gene: NF1 (neurofibromin 1; plus strand). Cytogenetic location: 17q11.2.
Variant type: single nucleotide variant.
Coding change: c.4676G>A on transcript NM_001042492.3 (MANE Select); coding-DNA position 4676, G replaced by A.
Protein change: p.Trp1559Ter; replaces tryptophan 1559 with a stop codon.
Molecular consequence: nonsense.
Genome position (GRCh38, 1-based): chr17:31,261,809, G>A. VCF-style: chr17-31261809-G-A. GRCh37 (hg19) VCF-style: chr17-29588827-G-A.
Other names: c.4613G>A, p.Trp1538Ter (NM_000267.4); short protein forms W1538*, W1559*.
Identifiers: ClinVar variation 996467 (VCV000996467.10), dbSNP rs2067691658, ClinGen allele CA399000473.
Genomic context (GRCh38, chr17:31,261,809, plus strand): 5'-TGGCAACACTTCTTGCATACCTGGGTCCTCCAGAGCACAAACCTGTGGCAGATACACACT[G>A]GTCCAGCCTTAACCTTACCAGTTCAAAGTTTGAGGAATTTATGACTAGGTAAAGTACAAC-3'

ClinVar aggregate classification (germline): Pathogenic. Review status: criteria provided, multiple submitters, no conflicts (2 of 4 stars). 4 submissions from 4 submitters: Pathogenic (4). Last evaluated 2025-06-24.

Conditions:
Neurofibromatosis, type 1 (NF1). Also called: Neurofibromatosis, type I; VON RECKLINGHAUSEN DISEASE; NEUROFIBROMATOSIS, TYPE I, SOMATIC; Peripheral type neurofibromatosis. Identifiers: Orphanet 636, MedGen C0027831, MONDO:0018975, OMIM 162200. Disease mechanism: loss of function.

Submissions (4):

Labcorp Genetics (formerly Invitae), Labcorp
Classification: Pathogenic for Neurofibromatosis, type 1. Last evaluated: 2025-06-24. Review status: criteria provided, single submitter. Criteria: Invitae Variant Classification Sherloc (09022015). Collection method: clinical testing. Allele origin: germline.
Comment: This sequence change creates a premature translational stop signal (p.Trp1538*) in the NF1 gene. It is expected to result in an absent or disrupted protein product. Loss-of-function variants in NF1 are known to be pathogenic (PMID: 10712197, 23913538). This variant is not present in population databases (gnomAD no frequency). This premature translational stop signal has been observed in individual(s) with neurofibromatosis type 1 (PMID: 23656349). Invitae Evidence Modeling of clinical and family history, age, sex, and reported ancestry of multiple individuals with this NF1 variant has been performed. This variant is expected to be pathogenic with a positive predictive value of at least 99%. This is a validated machine learning model that incorporates the clinical features of 1,785,918 individuals referred to our laboratory for NF1 testing. ClinVar contains an entry for this variant (Variation ID: 996467). RNA analysis performed to evaluate the impact of this premature translational stop signal on mRNA splicing indicates it does not significantly alter splicing (internal data). For these reasons, this variant has been classified as Pathogenic.

GeneDx
Classification: Pathogenic. Last evaluated: 2022-11-23. Review status: criteria provided, single submitter. Criteria: GeneDx Variant Classification Process June 2021. Collection method: clinical testing. Allele origin: germline. Affected: yes.
Comment: Nonsense variant predicted to result in protein truncation or nonsense mediated decay in a gene for which loss of function is a known mechanism of disease; Not observed at significant frequency in large population cohorts (gnomAD); Has not been previously published as pathogenic or benign to our knowledge; This variant is associated with the following publications: (PMID: 10712197, 23656349)

Genome-Nilou Lab
Classification: Pathogenic for Neurofibromatosis, type 1. Last evaluated: 2022-03-15. Review status: criteria provided, single submitter. Criteria: ACMG Guidelines, 2015. Collection method: clinical testing. Allele origin: germline. Affected: no.

Genome Diagnostics Laboratory, The Hospital for Sick Children
Classification: Pathogenic for Neurofibromatosis, type 1. Last evaluated: 2020-10-26. Review status: criteria provided, single submitter. Criteria: ACMG Guidelines, 2015. Collection method: clinical testing. Allele origin: germline. Affected: yes.

Literature cited by the submitters: PubMed 10712197 (cited by Labcorp Genetics (formerly Invitae), Labcorp); PubMed 23913538 (cited by Labcorp Genetics (formerly Invitae), Labcorp); PubMed 23656349 (cited by Labcorp Genetics (formerly Invitae), Labcorp).